The following is an entry in ClinVar:

NM_001286577.2(C2CD3):c.2594C>G (p.Ser865Cys)

Gene: C2CD3 (C2 domain containing 3 centriole elongation regulator; minus strand). Cytogenetic location: 11q13.4.
Variant type: single nucleotide variant.
Coding change: c.2594C>G on transcript NM_001286577.2 (MANE Select); coding-DNA position 2594, C replaced by G.
Protein change: p.Ser865Cys; replaces serine 865 with cysteine.
Molecular consequence: missense variant.
Genome position (GRCh38, 1-based): chr11:74,100,663, G>C on the plus strand (C>G on the coding strand, the complement: C2CD3 is on the minus strand). VCF-style: chr11-74100663-G-C. GRCh37 (hg19) VCF-style: chr11-73811708-G-C.
Other names: c.2594C>G (NM_015531.4); c.2594C>G, p.Ser865Cys (NM_015531.6); short protein forms S865C.
Identifiers: ClinVar variation 389613 (VCV000389613.11), dbSNP rs148264086, ClinGen allele CA6182608.
Genomic context (GRCh38, chr11:74,100,663, plus strand): 5'-TTCCAAGTTTCAATTACCATCACATTGTTCTTAAGCCTTTCCAGGTATTTGGAAGACAGA[G>C]AGACAGGAATCACCTAAGAGAGAGGAACAACCAAAACAAACAAAAAACTCATACCTGAGA-3'
Protein context (NP_001273506.1, residues 855-875): VFNFSQVIPV[Ser865Cys]LSSKYLERLK

ClinVar aggregate classification (germline): Conflicting classifications of pathogenicity. Review status: criteria provided, conflicting classifications (1 of 4 stars). 5 submissions from 5 submitters: Uncertain significance (4); Likely benign (1). Last evaluated 2025-12-06.

Conditions:
C2CD3-related disorder. Also called: C2CD3-related condition.
Inborn genetic diseases. Identifiers: MedGen C0950123, MeSH D030342.
Joubert syndrome. Also called: JOUBERT-BOLTSHAUSER SYNDROME; Familial aplasia of the vermis. Identifiers: Orphanet 475, MedGen C5979921, MONDO:0018772.

Allele frequency attached by ClinVar (database versions not stated): gnomAD exomes 0.00003 and 0.00009; gnomAD 0.00006 and 0.00008; ESP Exome Variant Server 0.00008; ExAC 0.00012; TOPMed 0.00012; 1000 Genomes Project 30x 0.00047; 1000 Genomes Project 0.00060.
gnomAD v4.1: 91 of 1,612,324 alleles (0.0056%); highest among the groups gnomAD compares: East Asian, 0.065%; no homozygotes.

Submissions (5):

Labcorp Genetics (formerly Invitae), Labcorp
Classification: Likely benign. Last evaluated: 2025-12-06. Review status: criteria provided, single submitter. Criteria: Invitae Variant Classification Sherloc (09022015). Collection method: clinical testing. Allele origin: germline.

Ambry Genetics
Classification: Uncertain significance for Inborn genetic diseases. Last evaluated: 2025-08-09. Review status: criteria provided, single submitter. Criteria: Ambry Variant Classification Scheme 2023. Collection method: clinical testing. Allele origin: germline.

PreventionGenetics, part of Exact Sciences
Classification: Uncertain significance for C2CD3-related condition. Last evaluated: 2025-07-21. Review status: criteria provided, single submitter. Criteria: ACMG Guidelines, 2015. Collection method: clinical testing. Allele origin: germline.
Comment: The C2CD3 c.2594C>G variant is predicted to result in the amino acid substitution p.Ser865Cys. To our knowledge, this variant has not been reported in the literature. This variant is reported in 0.10% of alleles in individuals of East Asian descent in gnomAD. Although we suspect that this variant may be benign, at this time, the clinical significance of this variant is uncertain due to the absence of conclusive functional and genetic evidence.

Clinical Genomics Laboratory, Stanford Medicine
Classification: Uncertain significance for Joubert syndrome. Last evaluated: 2022-10-31. Review status: criteria provided, single submitter. Criteria: ACMG Guidelines, 2015. Collection method: clinical testing. Allele origin: germline. Observed: 1 variant allele, 1 heterozygote.

GeneDx
Classification: Uncertain significance. Last evaluated: 2016-10-06. Review status: criteria provided, single submitter. Criteria: GeneDx Variant Classification (06012015). Collection method: clinical testing. Allele origin: germline. Affected: yes.
Comment: The S865C variant in the C2CD3 gene has not been reported previously as a pathogenic variant, noras a benign variant, to our knowledge. The NHLBI ESP Exome Sequencing Project reports S865C wasnot observed at a significant frequency in 6500 individuals of European and African Americanbackground, indicating it may be a rare variant in this population. The S865C variant is anon-conservative amino acid substitution, which is likely to impact secondary protein structure asthese residues differ in polarity, charge, size and/or other properties. This substitution occurs at aposition that is conserved in mammals. In silico analysis is inconsistent in its predictions as to whetheror not the variant is damaging to the protein structure/function. We interpret S865C as a variant ofuncertain significance.